The following is an entry in ClinVar:

ClinVar aggregate classification (germline): Uncertain significance (1 of 4 stars; one submission).

Submission:

Labcorp Genetics (formerly Invitae), Labcorp
Classification: Uncertain significance. Last evaluated: 2023-09-05. Review status: criteria provided, single submitter. Criteria: Invitae Variant Classification Sherloc (09022015). Collection method: clinical testing. Allele origin: germline.
Comment: In summary, the available evidence is currently insufficient to determine the role of this variant in disease. Therefore, it has been classified as a Variant of Uncertain Significance. An algorithm developed to predict the effect of missense changes on protein structure and function (PolyPhen-2) suggests that this variant is likely to be disruptive. This variant has not been reported in the literature in individuals affected with AP3D1-related conditions. This variant is not present in population databases (gnomAD no frequency). This sequence change replaces tyrosine, which is neutral and polar, with cysteine, which is neutral and slightly polar, at codon 277 of the AP3D1 protein (p.Tyr277Cys).

NM_001261826.3(AP3D1):c.830A>G (p.Tyr277Cys)

Gene: AP3D1 (adaptor related protein complex 3 subunit delta 1; minus strand). Cytogenetic location: 19p13.3.
Variant type: single nucleotide variant.
Coding change: c.830A>G on transcript NM_001261826.3 (MANE Select); coding-DNA position 830, A replaced by G.
Protein change: p.Tyr277Cys; replaces tyrosine 277 with cysteine.
Molecular consequence: missense variant.
Genome position (GRCh38, 1-based): chr19:2,127,178, T>C on the plus strand (A>G on the coding strand, the complement: AP3D1 is on the minus strand). VCF-style: chr19-2127178-T-C. GRCh37 (hg19) VCF-style: chr19-2127177-T-C.
Other names: c.830A>G, p.Tyr277Cys (NM_001374799.1, NM_003938.8); short protein forms Y277C.
Identifiers: ClinVar variation 2758338 (VCV002758338.3), dbSNP rs1183899574, ClinGen allele CA403226247.
Genomic context (GRCh38, chr19:2,127,178, plus strand): 5'-AGCCCTTCCAGATGGGGAGAGTGCCAGTTCTCACCTGCAATCACGGTGTTCACACATTCA[T>C]AGAGGAGAGACATGGCAGACGTGCTAAGGAAAGGAACACAGGGAAGCGGCATGAGGACTG-3'
Protein context (NP_001248755.1, residues 267-287): IHSTSAMSLL[Tyr277Cys]ECVNTVIAVL